The following is an entry in ClinVar:

NM_001080449.3(DNA2):c.2209-278G>T

Gene: DNA2 (DNA replication helicase/nuclease 2; minus strand). Cytogenetic location: 10q21.3.
Variant type: single nucleotide variant.
Coding change: c.2209-278G>T on transcript NM_001080449.3 (MANE Select); 278 bases into the intron before coding-DNA position 2209, G replaced by T.
Molecular consequence: intron variant.
Genome position (GRCh38, 1-based): chr10:68,423,168, C>A on the plus strand (G>T on the coding strand, the complement: DNA2 is on the minus strand). VCF-style: chr10-68423168-C-A. GRCh37 (hg19) VCF-style: chr10-70182925-C-A.
Identifiers: ClinVar variation 673709 (VCV000673709.1), dbSNP rs181567055, ClinGen allele CA208194991.

ClinVar aggregate classification (germline): Benign (1 of 4 stars; one submission).

Allele frequency attached by ClinVar (database versions not stated): 1000 Genomes Project 0.02456; gnomAD 0.02755 and 0.02991; TOPMed 0.03158.
gnomAD v4.1: 4,107 of 150,290 alleles (2.7%); highest among the groups gnomAD compares: African/African-American, 9.8%; 174 homozygotes.

Submission:

GeneDx
Classification: Benign. Last evaluated: 2018-06-16. Review status: criteria provided, single submitter. Criteria: GeneDx Variant Classification (06012015). Collection method: clinical testing. Allele origin: germline. Affected: yes.
Comment: This variant is considered likely benign or benign based on one or more of the following criteria: it is a conservative change, it occurs at a poorly conserved position in the protein, it is predicted to be benign by multiple in silico algorithms, and/or has population frequency not consistent with disease.